The following is an entry in ClinVar:

NM_000069.3(CACNA1S):c.5612C>T (p.Pro1871Leu)

Gene: CACNA1S (calcium voltage-gated channel subunit alpha1 S; minus strand). Cytogenetic location: 1q32.1.
Variant type: single nucleotide variant.
Coding change: c.5612C>T on transcript NM_000069.3 (MANE Select); coding-DNA position 5612, C replaced by T.
Protein change: p.Pro1871Leu; replaces proline 1871 with leucine.
Molecular consequence: missense variant.
Genome position (GRCh38, 1-based): chr1:201,039,841, G>A on the plus strand (C>T on the coding strand, the complement: CACNA1S is on the minus strand). VCF-style: chr1-201039841-G-A. GRCh37 (hg19) VCF-style: chr1-201008969-G-A.
Other names: short protein forms P1871L.
Identifiers: ClinVar variation 541035 (VCV000541035.8), dbSNP rs1553247246, ClinGen allele CA344127316.
Genomic context (GRCh38, chr1:201,039,841, plus strand): 5'-ACCCCCATTGGTCATGCCAGCTCTAAGCCCATGCTGATGCTGTGTGGGCATCACAGCCTT[G>A]GAGGAATAAGGGTCTCCTGGGAGCCCTGGTGTTGGTCGAGGCTGCCCAGGGAGGACCCGA-3'
Protein context (NP_000060.2, residues 1861-1873): HQGSQETLIP[Pro1871Leu]RL

ClinVar aggregate classification (germline): Uncertain significance. Review status: criteria provided, multiple submitters, no conflicts (2 of 4 stars). 2 submissions from 2 submitters: Uncertain significance (2). Last evaluated 2023-08-08.

Conditions:
Malignant hyperthermia, susceptibility to, 5 (MHS5). Also called: CACNA1S-Related Malignant Hyperthermia Susceptibility. Identifiers: Orphanet 423, MedGen C1866077, MONDO:0011163, OMIM 601887.
Hypokalemic periodic paralysis, type 1. Also called: HypoPP; Hypokalemic Periodic Paralysis Type 1 (AD). Identifiers: Orphanet 681, MedGen C3714580, MONDO:0042979, OMIM 170400.

Allele frequency attached by ClinVar (database versions not stated): gnomAD exomes below 0.00001.
gnomAD v4.1: 1 of 1,605,362 alleles (0.000062%); highest among the groups gnomAD compares: Non-Finnish European, 0.000085%; no homozygotes.

Submissions (2):

All of Us Research Program, National Institutes of Health
Classification: Uncertain significance for Malignant hyperthermia, susceptibility to, 5. Last evaluated: 2023-08-08. Review status: criteria provided, single submitter. Criteria: ACMG Guidelines, 2015. Collection method: clinical testing. Allele origin: germline. Inheritance: Autosomal dominant inheritance. Observed: 2 variant alleles, 2 heterozygotes.
Comment: This missense variant replaces proline with leucine at codon 1871 of the CACNA1S protein. Computational prediction suggests that this variant may not impact protein structure and function (internally defined REVEL score threshold <= 0.5, PMID: 27666373). To our knowledge, functional studies have not been reported for this variant. This variant has not been reported in individuals affected with CACNA1S-related disorders in the literature. This variant has not been identified in the general population by the Genome Aggregation Database (gnomAD). The available evidence is insufficient to determine the role of this variant in disease conclusively. Therefore, this variant is classified as a Variant of Uncertain Significance.

This study involves interpretation of variants in research participants for the purpose of population health screening. Participant phenotype was not available at the time of variant classification. Additional details can be found in publication PMID: 35346344, PMCID: PMC8962531

Labcorp Genetics (formerly Invitae), Labcorp
Classification: Uncertain significance for Hypokalemic periodic paralysis, type 1; Malignant hyperthermia, susceptibility to, 5. Last evaluated: 2022-02-04. Review status: criteria provided, single submitter. Criteria: Invitae Variant Classification Sherloc (09022015). Collection method: clinical testing. Allele origin: germline.
Comment: In summary, the available evidence is currently insufficient to determine the role of this variant in disease. Therefore, it has been classified as a Variant of Uncertain Significance. Advanced modeling of protein sequence and biophysical properties (such as structural, functional, and spatial information, amino acid conservation, physicochemical variation, residue mobility, and thermodynamic stability) performed at Invitae indicates that this missense variant is not expected to disrupt CACNA1S protein function. ClinVar contains an entry for this variant (Variation ID: 541035). This variant has not been reported in the literature in individuals affected with CACNA1S-related conditions. This variant is not present in population databases (gnomAD no frequency). This sequence change replaces proline, which is neutral and non-polar, with leucine, which is neutral and non-polar, at codon 1871 of the CACNA1S protein (p.Pro1871Leu).